The following is an entry in ClinVar:

ClinVar aggregate classification (germline): Uncertain significance (1 of 4 stars; one submission).

Allele frequency attached by ClinVar (database versions not stated): gnomAD exomes below 0.00001; gnomAD 0.00001; TOPMed 0.00001.

Submission:

CeGaT Center for Human Genetics Tuebingen
Classification: Uncertain significance. Last evaluated: 2024-01-01. Review status: criteria provided, single submitter. Criteria: CeGaT Center For Human Genetics Tuebingen Variant Classification Criteria Version 2. Collection method: clinical testing. Allele origin: germline. Affected: yes. Observed: 2 variant alleles.
Comment: GNAS: PM2, PP3

NM_000516.7(GNAS):c.26C>T (p.Thr9Ile)

Gene: GNAS (GNAS complex locus; plus strand). Cytogenetic location: 20q13.32.
Variant type: single nucleotide variant.
Coding change: c.26C>T on transcript NM_000516.7 (MANE Select); coding-DNA position 26, C replaced by T.
Protein change: p.Thr9Ile; replaces threonine 9 with isoleucine.
Molecular consequence: missense variant. On other transcripts: intron variant (8).
Genome position (GRCh38, 1-based): chr20:58,891,752, C>T. VCF-style: chr20-58891752-C-T. GRCh37 (hg19) VCF-style: chr20-57466807-C-T.
Other names: c.26C>T, p.Thr9Ile (NM_001077489.4, NM_001309842.2, NM_080426.4 and 1 more transcripts); c.*43-3860C>T (NM_016592.5); c.44-3860C>T (NM_001410912.1); c.-38-3860C>T (NM_001309861.2); c.*1-3860C>T (NM_001077490.3); c.2069-3860C>T (NM_080425.4, NM_001410913.1); c.*159-3860C>T (NM_001309883.1); c.-39+2399C>T (NM_001309840.2); short protein forms T9I.
Identifiers: ClinVar variation 3026821 (VCV003026821.22), dbSNP rs901936182, ClinGen allele CA316320584.